The following is an entry in ClinVar:

NM_021619.3(PRDM12):c.20C>T (p.Pro7Leu)

Gene: PRDM12 (PR/SET domain 12; plus strand). Cytogenetic location: 9q34.12.
Variant type: single nucleotide variant.
Coding change: c.20C>T on transcript NM_021619.3 (MANE Select); coding-DNA position 20, C replaced by T.
Protein change: p.Pro7Leu; replaces proline 7 with leucine.
Molecular consequence: missense variant.
Genome position (GRCh38, 1-based): chr9:130,664,673, C>T. VCF-style: chr9-130664673-C-T. GRCh37 (hg19) VCF-style: chr9-133540060-C-T.
Other names: short protein forms P7L.
Identifiers: ClinVar variation 1474339 (VCV001474339.6), dbSNP rs779277068, ClinGen allele CA375245412.

ClinVar aggregate classification (germline): Uncertain significance (1 of 4 stars; one submission).

Conditions:
Congenital insensitivity to pain-hypohidrosis syndrome. Also called: Neuropathy, hereditary sensory and autonomic, type VIII; HSAN VIII. Identifiers: Orphanet 478664, MedGen C4225308, MONDO:0014662, OMIM 616488.

gnomAD v4.1: 4 of 1,600,032 alleles (0.00025%); highest among the groups gnomAD compares: Admixed American, 0.0017%; no homozygotes.

Submission:

Labcorp Genetics (formerly Invitae), Labcorp
Classification: Uncertain significance for Congenital insensitivity to pain-hypohidrosis syndrome. Last evaluated: 2021-09-20. Review status: criteria provided, single submitter. Criteria: Invitae Variant Classification Sherloc (09022015). Collection method: clinical testing. Allele origin: germline.
Comment: Algorithms developed to predict the effect of missense changes on protein structure and function are either unavailable or do not agree on the potential impact of this missense change (SIFT: "Deleterious"; PolyPhen-2: "Probably Damaging"; Align-GVGD: "Class C0"). In summary, the available evidence is currently insufficient to determine the role of this variant in disease. Therefore, it has been classified as a Variant of Uncertain Significance. This variant has not been reported in the literature in individuals affected with PRDM12-related conditions. This variant is not present in population databases (ExAC no frequency). This sequence change replaces proline with leucine at codon 7 of the PRDM12 protein (p.Pro7Leu). The proline residue is moderately conserved and there is a moderate physicochemical difference between proline and leucine.